The following is an entry in ClinVar:

ClinVar aggregate classification (germline): Pathogenic (1 of 4 stars; one submission).

Conditions:
Mowat-Wilson syndrome (MOWS). Also called: Classic Mowat-Wilson Syndrome. Identifiers: Orphanet 2152, MedGen C1856113, MONDO:0009341, OMIM 235730.

Submission:

Labcorp Genetics (formerly Invitae), Labcorp
Classification: Pathogenic for Mowat-Wilson syndrome. Last evaluated: 2022-06-27. Review status: criteria provided, single submitter. Criteria: Invitae Variant Classification Sherloc (09022015). Collection method: clinical testing. Allele origin: germline.
Comment: This variant has not been reported in the literature in individuals affected with ZEB2-related conditions. This variant is not present in population databases (gnomAD no frequency). This sequence change creates a premature translational stop signal (p.Leu860Serfs*15) in the ZEB2 gene. It is expected to result in an absent or disrupted protein product. Loss-of-function variants in ZEB2 are known to be pathogenic (PMID: 16053902). For these reasons, this variant has been classified as Pathogenic.

Literature cited by the submitters: PubMed 16053902.

NM_014795.4(ZEB2):c.2577dup (p.Leu860fs)

Gene: ZEB2 (zinc finger E-box binding homeobox 2; minus strand). Cytogenetic location: 2q22.3.
Variant type: Duplication.
Coding change: c.2577dup on transcript NM_014795.4 (MANE Select); coding-DNA position 2577, one base duplicated (T; older notation c.2577dupT).
Protein change: p.Leu860fs; shifts the reading frame from leucine 860.
Molecular consequence: frameshift variant.
Genome position (GRCh38, 1-based): chr2:144,398,610, A duplicated on the plus strand (T on the coding strand, the reverse complement: ZEB2 is on the minus strand). VCF-style (leftmost placement, unchanged base first): chr2-144398609-G-GA. GRCh37 (hg19) VCF-style: chr2-145156176-G-GA.
Other names: c.2505dup, p.Leu836fs (NM_001171653.2); short protein forms L836fs, L860fs.
Identifiers: ClinVar variation 2011486 (VCV002011486.4), dbSNP rs2549105837, ClinGen allele CA2580063843.